The following is an entry in ClinVar:

ClinVar aggregate classification (germline): Likely pathogenic (1 of 4 stars; one submission).

Conditions:
Autosomal recessive limb-girdle muscular dystrophy type 2J (LGMDR10). Also called: Limb-girdle muscular dystrophy, type 2J; MUSCULAR DYSTROPHY, LIMB-GIRDLE, AUTOSOMAL RECESSIVE 10. Identifiers: Orphanet 140922, MedGen C1837342, MONDO:0012127, OMIM 608807.
Dilated cardiomyopathy 1G (CMD1G). Identifiers: Orphanet 154, MedGen C1858763, MONDO:0011400, OMIM 604145.

Submission:

Labcorp Genetics (formerly Invitae), Labcorp
Classification: Likely pathogenic for Dilated cardiomyopathy 1G; Autosomal recessive limb-girdle muscular dystrophy type 2J. Last evaluated: 2025-07-03. Review status: criteria provided, single submitter. Criteria: Invitae Variant Classification Sherloc (09022015). Collection method: clinical testing. Allele origin: germline.
Comment: This sequence change creates a premature translational stop signal (p.Glu14482Lysfs*9) in the TTN gene. While this is not anticipated to result in nonsense mediated decay, it is expected to create a truncated TTN protein. This variant is not present in population databases (gnomAD no frequency). This variant has not been reported in the literature in individuals affected with TTN-related conditions. This variant is located in the I band of TTN (PMID: 25589632). Truncating variants in this region have been reported in individuals affected with autosomal recessive centronuclear myopathy (PMID: 23975875, internal data). Truncating variants in this region have also been identified in individuals affected with autosomal dominant dilated cardiomyopathy and/or cardio-related conditions (PMID: 27869827, 32964742, internal data). In summary, the currently available evidence indicates that the variant is pathogenic, but additional data are needed to prove that conclusively. Therefore, this variant has been classified as Likely Pathogenic.

Literature cited by the submitters: PubMed 25589632; PubMed 23975875; PubMed 27869827; PubMed 32964742.

NM_001267550.2(TTN):c.43443del (p.Glu14482fs)

Gene: TTN (titin; minus strand). Cytogenetic location: 2q31.2.
Variant type: Deletion.
Coding change: c.43443del on transcript NM_001267550.2 (MANE Select); coding-DNA position 43443, one base deleted (T; older notation c.43443delT).
Protein change: p.Glu14482fs; shifts the reading frame from glutamic acid 14482.
Molecular consequence: frameshift variant.
Genome position (GRCh38, 1-based): chr2:178,632,563, A deleted on the plus strand (T on the coding strand, the reverse complement: TTN is on the minus strand). VCF-style (leftmost placement, unchanged base first): chr2-178632562-CA-C. GRCh37 (hg19) VCF-style: chr2-179497289-CA-C.
Other names: c.38520del, p.Glu12841fs (NM_001256850.1); c.16248del, p.Glu5417fs (NM_003319.4); c.35739del, p.Glu11914fs (NM_133378.4); c.16623del, p.Glu5542fs (NM_133432.3); c.16824del, p.Glu5609fs (NM_133437.4); short protein forms E14482fs, E11914fs, E12841fs, E5609fs, E5542fs, E5417fs.
Identifiers: ClinVar variation 4788465 (VCV004788465.1).